The following is an entry in ClinVar:

NM_012210.4(TRIM32):c.417A>G (p.Lys139=)

Genes: ASTN2 (astrotactin 2; minus strand), TRIM32 (tripartite motif containing 32; plus strand). Cytogenetic location: 9q33.1.
Variant type: single nucleotide variant.
Coding change: c.417A>G on transcript NM_012210.4 (MANE Select); coding-DNA position 417, A replaced by G.
Protein change: p.Lys139=; no amino-acid change (lysine 139 retained).
Molecular consequence: synonymous variant. On other transcripts: intron variant (3).
Genome position (GRCh38, 1-based): chr9:116,698,159, A>G. VCF-style: chr9-116698159-A-G. GRCh37 (hg19) VCF-style: chr9-119460438-A-G.
Other names: c.417A>G, p.Lys139= (NM_001099679.2, NM_001379048.1, NM_001379049.1 and 1 more transcripts); c.2653+27612T>C (NM_014010.5); c.2794+27612T>C (NM_001365069.1); c.2806+27612T>C (NM_001365068.1).
Identifiers: ClinVar variation 3347696 (VCV003347696.1).

ClinVar aggregate classification (germline): Likely benign (0 of 4 stars; one submission).

Conditions:
TRIM32-related disorder. Also called: TRIM32-related condition.

Submission:

PreventionGenetics, part of Exact Sciences
Classification: Likely benign for TRIM32-related condition. Last evaluated: 2024-09-04. Review status: no assertion criteria provided. Collection method: clinical testing. Allele origin: germline.
Comment: This variant is classified as likely benign based on ACMG/AMP sequence variant interpretation guidelines (Richards et al. 2015 PMID: 25741868, with internal and published modifications).